The following is an entry in ClinVar:

NM_000094.4(COL7A1):c.2300T>C (p.Val767Ala)

Gene: COL7A1 (collagen type VII alpha 1 chain; minus strand). Cytogenetic location: 3p21.31.
Variant type: single nucleotide variant.
Coding change: c.2300T>C on transcript NM_000094.4 (MANE Select); coding-DNA position 2300, T replaced by C.
Protein change: p.Val767Ala; replaces valine 767 with alanine.
Molecular consequence: missense variant.
Genome position (GRCh38, 1-based): chr3:48,589,341, A>G on the plus strand (T>C on the coding strand, the complement: COL7A1 is on the minus strand). VCF-style: chr3-48589341-A-G. GRCh37 (hg19) VCF-style: chr3-48626774-A-G.
Other names: short protein forms V767A.
Identifiers: ClinVar variation 2906079 (VCV002906079.4), dbSNP rs758069627, ClinGen allele CA2380943.

ClinVar aggregate classification (germline): Uncertain significance. Review status: criteria provided, multiple submitters, no conflicts (2 of 4 stars). 2 submissions from 2 submitters: Uncertain significance (2). Last evaluated 2025-04-03.

Conditions:
Inborn genetic diseases. Identifiers: MedGen C0950123, MeSH D030342.

Allele frequency attached by ClinVar (database versions not stated): ExAC 0.00002.

Submissions (2):

Ambry Genetics
Classification: Uncertain significance for Inborn genetic diseases. Last evaluated: 2025-04-03. Review status: criteria provided, single submitter. Criteria: Ambry Variant Classification Scheme 2023. Collection method: clinical testing. Allele origin: germline.

Labcorp Genetics (formerly Invitae), Labcorp
Classification: Uncertain significance. Last evaluated: 2024-02-26. Review status: criteria provided, single submitter. Criteria: Invitae Variant Classification Sherloc (09022015). Collection method: clinical testing. Allele origin: germline.
Comment: This sequence change replaces valine, which is neutral and non-polar, with alanine, which is neutral and non-polar, at codon 767 of the COL7A1 protein (p.Val767Ala). This variant is present in population databases (rs758069627, gnomAD 0.006%). This variant has not been reported in the literature in individuals affected with COL7A1-related conditions. Advanced modeling of protein sequence and biophysical properties (such as structural, functional, and spatial information, amino acid conservation, physicochemical variation, residue mobility, and thermodynamic stability) performed at Invitae indicates that this missense variant is not expected to disrupt COL7A1 protein function with a negative predictive value of 95%. In summary, the available evidence is currently insufficient to determine the role of this variant in disease. Therefore, it has been classified as a Variant of Uncertain Significance.